The following is an entry in ClinVar:

NM_003114.5(SPAG1):c.38G>A (p.Gly13Glu)

Gene: SPAG1 (sperm associated antigen 1; plus strand). Cytogenetic location: 8q22.2.
Variant type: single nucleotide variant.
Coding change: c.38G>A on transcript NM_003114.5 (MANE Select); coding-DNA position 38, G replaced by A.
Protein change: p.Gly13Glu; replaces glycine 13 with glutamic acid.
Molecular consequence: missense variant.
Genome position (GRCh38, 1-based): chr8:100,162,318, G>A. VCF-style: chr8-100162318-G-A. GRCh37 (hg19) VCF-style: chr8-101174546-G-A.
Other names: c.38G>A, p.Gly13Glu (NM_001374321.1, NM_172218.3); short protein forms G13E.
Identifiers: ClinVar variation 4635398 (VCV004635398.1).
Genomic context (GRCh38, chr8:100,162,318, plus strand): 5'-CTTTTAAATATTGTATTTCAGCTATGACCACCAAAGATTATCCATCATTGTGGGGCTTTG[G>A]AACAACAAAAACATTCAAAATTCCCATTGAACATCTAGATTTCAAATACATTGAAAAATG-3'
Protein context (NP_003105.2, residues 3-23): TKDYPSLWGF[Gly13Glu]TTKTFKIPIE

ClinVar aggregate classification (germline): Uncertain significance (1 of 4 stars; one submission).

Conditions:
Primary ciliary dyskinesia. Also called: Ciliary dyskinesia. Identifiers: Orphanet 244, MedGen C0008780, MONDO:0016575, HP:0012265.

Submission:

Ambry Genetics
Classification: Uncertain significance for Primary ciliary dyskinesia. Last evaluated: 2025-11-07. Review status: criteria provided, single submitter. Criteria: Ambry Variant Classification Scheme 2023. Collection method: clinical testing. Allele origin: germline.
Comment: The p.G13E variant (also known as c.38G>A), located in coding exon 1 of the SPAG1 gene, results from a G to A substitution at nucleotide position 38. The glycine at codon 13 is replaced by glutamic acid, an amino acid with similar properties. This amino acid position is conserved. In addition, the in silico prediction for this alteration is inconclusive. Based on the available evidence, the clinical significance of this variant remains unclear.